The following is an entry in ClinVar:

NM_001004334.4(GPR179):c.6017G>A (p.Gly2006Asp)

Gene: GPR179 (G protein-coupled receptor 179; minus strand). Cytogenetic location: 17q12.
Variant type: single nucleotide variant.
Coding change: c.6017G>A on transcript NM_001004334.4 (MANE Select); coding-DNA position 6017, G replaced by A.
Protein change: p.Gly2006Asp; replaces glycine 2006 with aspartic acid.
Molecular consequence: missense variant.
Genome position (GRCh38, 1-based): chr17:38,327,552, C>T on the plus strand (G>A on the coding strand, the complement: GPR179 is on the minus strand). VCF-style: chr17-38327552-C-T. GRCh37 (hg19) VCF-style: chr17-36483435-C-T.
Other names: short protein forms G2006D.
Identifiers: ClinVar variation 1506560 (VCV001506560.7), dbSNP rs753490497, ClinGen allele CA290103172.

ClinVar aggregate classification (germline): Uncertain significance (1 of 4 stars; one submission).

gnomAD v4.1: 1 of 1,614,108 alleles (0.000062%); highest among the groups gnomAD compares: South Asian, 0.0011%; no homozygotes.

Submission:

Labcorp Genetics (formerly Invitae), Labcorp
Classification: Uncertain significance. Last evaluated: 2021-07-21. Review status: criteria provided, single submitter. Criteria: Invitae Variant Classification Sherloc (09022015). Collection method: clinical testing. Allele origin: germline.
Comment: In summary, the available evidence is currently insufficient to determine the role of this variant in disease. Therefore, it has been classified as a Variant of Uncertain Significance. Algorithms developed to predict the effect of missense changes on protein structure and function output the following: SIFT: "Tolerated"; PolyPhen-2: "Benign"; Align-GVGD: "Class C0". The aspartic acid amino acid residue is found in multiple mammalian species, which suggests that this missense change does not adversely affect protein function. This variant has not been reported in the literature in individuals affected with GPR179-related conditions. This variant is present in population databases (rs753490497, ExAC 0.006%). This sequence change replaces glycine with aspartic acid at codon 2006 of the GPR179 protein (p.Gly2006Asp). The glycine residue is weakly conserved and there is a moderate physicochemical difference between glycine and aspartic acid.